The following is an entry in ClinVar:

ClinVar aggregate classification (germline): Uncertain significance (1 of 4 stars; one submission).

Conditions:
Perlman syndrome (PRLMNS). Identifiers: Orphanet 2849, MedGen C0796113, MONDO:0009965, OMIM 267000.

Allele frequency attached by ClinVar (database versions not stated): TOPMed 0.00002.
gnomAD v4.1: 38 of 1,613,736 alleles (0.0024%); highest among the groups gnomAD compares: Admixed American, 0.0033%; no homozygotes.

Submission:

Labcorp Genetics (formerly Invitae), Labcorp
Classification: Uncertain significance for Perlman syndrome. Last evaluated: 2023-02-16. Review status: criteria provided, single submitter. Criteria: Invitae Variant Classification Sherloc (09022015). Collection method: clinical testing. Allele origin: germline.
Comment: In summary, the available evidence is currently insufficient to determine the role of this variant in disease. Therefore, it has been classified as a Variant of Uncertain Significance. An algorithm developed to predict the effect of missense changes on protein structure and function (PolyPhen-2) suggests that this variant is likely to be tolerated. ClinVar contains an entry for this variant (Variation ID: 1005857). This variant has not been reported in the literature in individuals affected with DIS3L2-related conditions. This variant is present in population databases (rs723044, gnomAD 0.003%). This sequence change replaces proline, which is neutral and non-polar, with threonine, which is neutral and polar, at codon 12 of the DIS3L2 protein (p.Pro12Thr).

NM_152383.5(DIS3L2):c.34C>A (p.Pro12Thr)

Gene: DIS3L2 (DIS3 like 3'-5' exoribonuclease 2; plus strand). Cytogenetic location: 2q37.1.
Variant type: single nucleotide variant.
Coding change: c.34C>A on transcript NM_152383.5 (MANE Select); coding-DNA position 34, C replaced by A.
Protein change: p.Pro12Thr; replaces proline 12 with threonine.
Molecular consequence: missense variant. On other transcripts: non-coding transcript variant (2).
Genome position (GRCh38, 1-based): chr2:232,014,961, C>A. VCF-style: chr2-232014961-C-A. GRCh37 (hg19) VCF-style: chr2-232879671-C-A.
Other names: c.34C>A, p.Pro12Thr (NM_001257281.2, NM_001257282.2); short protein forms P12T.
Identifiers: ClinVar variation 1005857 (VCV001005857.8), dbSNP rs723044, ClinGen allele CA2163692.
Genomic context (GRCh38, chr2:232,014,961, plus strand): 5'-GAGAGAAGAGTGACCTTGGAGCCAATAATGAGCCATCCTGACTACAGAATGAACCTCCGG[C>A]CCCTGGGGACCCCCAGAGGTAGTAAAAGGAAAATGGAGTCTGCCTGAATAACTGGAGAAC-3'
Protein context (NP_689596.4, residues 2-22): SHPDYRMNLR[Pro12Thr]LGTPRGVSAV